The following is an entry in ClinVar:

NM_000141.5(FGFR2):c.*259C>T

Gene: FGFR2 (fibroblast growth factor receptor 2; minus strand). Cytogenetic location: 10q26.13.
Variant type: single nucleotide variant.
Coding change: c.*259C>T on transcript NM_000141.5 (MANE Select); 259 bases downstream of the stop codon, C replaced by T.
Molecular consequence: 3 prime UTR variant. On other transcripts: synonymous variant (1), non-coding transcript variant (1).
Genome position (GRCh38, 1-based): chr10:121,479,598, G>A on the plus strand (C>T on the coding strand, the complement: FGFR2 is on the minus strand). VCF-style: chr10-121479598-G-A. GRCh37 (hg19) VCF-style: chr10-123239112-G-A.
Other names: c.*259C>T (NM_001144914.1, NM_001144916.2, NM_001144917.2 and 5 more transcripts); c.2107C>T, p.Leu703= (NM_001144915.2).
Identifiers: ClinVar variation 298991 (VCV000298991.12), dbSNP rs1047057, ClinGen allele CA5720419.
Genomic context (GRCh38, chr10:121,479,598, plus strand): 5'-ACAAAATTAACAAGGAAGGCAGAACGCACGTCCACCTTGAGTCCTACTGGTCCACAGCCA[G>A]TACGCACGGCAGGTGAGAGGGGTTACATGGTGGCTTGTGGCAGTCCACTGCTCCAGAAAC-3'

ClinVar aggregate classification (germline): Benign. Review status: criteria provided, multiple submitters, no conflicts (2 of 4 stars). 11 submissions from 7 submitters: Benign (9). 2 of the submissions do not count toward it. Last evaluated 2024-11-27.

Conditions:
Saethre-Chotzen syndrome (SCS). Also called: ACROCEPHALY, SKULL ASYMMETRY, AND MILD SYNDACTYLY; ACS III; CHOTZEN SYNDROME. Identifiers: Orphanet 794, MedGen C0175699, MONDO:0007042, OMIM 101400.
Craniosynostosis syndrome. Also called: Craniosynostosis. Identifiers: Orphanet 1531, MedGen C0010278, MeSH D003398, MONDO:0015469, HP:0001363.
Beare-Stevenson cutis gyrata syndrome (BSTVS). Identifiers: Orphanet 1555, MedGen C1852406, MONDO:0007412, OMIM 123790.
Crouzon syndrome. Also called: CRANIOFACIAL DYSOSTOSIS, TYPE I; Craniofacial dysostosis; Craniofacial dysostosis type 1; Crouzon craniofacial dysostosis; Crouzon disease. Identifiers: Orphanet 207, MedGen C0010273, MeSH D003394, MONDO:0007405, OMIM 123500, HP:0004439.
Isolated Coronal Synostosis. Identifiers: MedGen CN043619.

Allele frequency attached by ClinVar (database versions not stated): 1000 Genomes Project 30x 0.41427; 1000 Genomes Project 0.41434; gnomAD 0.43446 and 0.44321; ESP Exome Variant Server 0.43452; TOPMed 0.44213; ExAC 0.53105; gnomAD exomes 0.55344 and 0.55461.

Submissions (11):

Blueprint Genetics
Classification: Benign. Last evaluated: 2024-11-27. Review status: criteria provided, single submitter. Criteria: ACMG Guidelines, 2015. Collection method: clinical testing. Allele origin: germline.

Athena Diagnostics
Classification: Benign. Last evaluated: 2018-05-09. Review status: criteria provided, single submitter. Criteria: Athena Diagnostics Criteria. Collection method: clinical testing. Allele origin: germline.

Illumina Laboratory Services, Illumina
Classification: Benign for Beare-Stevenson cutis gyrata syndrome. Last evaluated: 2018-01-13. Review status: criteria provided, single submitter. Criteria: ICSL Variant Classification Criteria 13 December 2019. Collection method: clinical testing. Allele origin: germline.
Comment: This variant was observed in the ICSL laboratory as part of a predisposition screen in an ostensibly healthy population. It had not been previously curated by ICSL or reported in the Human Gene Mutation Database (HGMD: prior to June 1st, 2018), and was therefore a candidate for classification through an automated scoring system. Utilizing variant allele frequency, disease prevalence and penetrance estimates, and inheritance mode, an automated score was calculated to assess if this variant is too frequent to cause the disease. Based on the score and internal cut-off values, a variant classified as benign is not then subjected to further curation. The score for this variant resulted in a classification of benign for this disease.

Illumina Laboratory Services, Illumina
Classification: Benign for Craniosynostosis. Last evaluated: 2018-01-13. Review status: criteria provided, single submitter. Criteria: ICSL Variant Classification Criteria 13 December 2019. Collection method: clinical testing. Allele origin: germline.
Comment: the same text as in the submission from Illumina Laboratory Services, Illumina above.

Illumina Laboratory Services, Illumina
Classification: Benign for Crouzon syndrome. Last evaluated: 2018-01-13. Review status: criteria provided, single submitter. Criteria: ICSL Variant Classification Criteria 13 December 2019. Collection method: clinical testing. Allele origin: germline.
Comment: the same text as in the submission from Illumina Laboratory Services, Illumina above.

Illumina Laboratory Services, Illumina
Classification: Benign for Saethre-Chotzen syndrome. Last evaluated: 2018-01-13. Review status: criteria provided, single submitter. Criteria: ICSL Variant Classification Criteria 13 December 2019. Collection method: clinical testing. Allele origin: germline.
Comment: the same text as in the submission from Illumina Laboratory Services, Illumina above.

Illumina Laboratory Services, Illumina
Classification: Benign for Isolated coronal synostosis. Last evaluated: 2018-01-13. Review status: criteria provided, single submitter. Criteria: ICSL Variant Classification Criteria 13 December 2019. Collection method: clinical testing. Allele origin: germline.
Comment: the same text as in the submission from Illumina Laboratory Services, Illumina above.

GeneDx
Classification: Benign. Last evaluated: 2016-03-03. Review status: criteria provided, single submitter. Criteria: GeneDx Variant Classification (06012015). Collection method: clinical testing. Allele origin: germline. Affected: yes.
Comment: This variant is considered likely benign or benign based on one or more of the following criteria: it is a conservative change, it occurs at a poorly conserved position in the protein, it is predicted to be benign by multiple in silico algorithms, and/or has population frequency not consistent with disease.

Breakthrough Genomics
Classification: Benign. Review status: criteria provided, single submitter. Criteria: ACMG Guidelines, 2015. Collection method: not provided. Allele origin: germline. Inheritance: Autosomal dominant inheritance. Affected: yes.

Diagnostic Laboratory, Department of Genetics, University Medical Center Groningen
Classification: Benign. Review status: no assertion criteria provided. Collection method: clinical testing. Allele origin: germline. Affected: yes. Study: VKGL Data-share Consensus. Not counted in ClinVar's aggregate classification.

Genome Diagnostics Laboratory, University Medical Center Utrecht
Classification: Benign. Review status: no assertion criteria provided. Collection method: clinical testing. Allele origin: germline. Affected: yes. Study: VKGL Data-share Consensus. Not counted in ClinVar's aggregate classification.